The following is an entry in ClinVar:

NM_002471.4(MYH6):c.2590A>G (p.Thr864Ala)

Gene: MYH6 (myosin heavy chain 6; minus strand). Cytogenetic location: 14q11.2.
Variant type: single nucleotide variant.
Coding change: c.2590A>G on transcript NM_002471.4 (MANE Select); coding-DNA position 2590, A replaced by G.
Protein change: p.Thr864Ala; replaces threonine 864 with alanine.
Molecular consequence: missense variant.
Genome position (GRCh38, 1-based): chr14:23,394,163, T>C on the plus strand (A>G on the coding strand, the complement: MYH6 is on the minus strand). VCF-style: chr14-23394163-T-C. GRCh37 (hg19) VCF-style: chr14-23863372-T-C.
Other names: short protein forms T864A.
Identifiers: ClinVar variation 3703173 (VCV003703173.2).

ClinVar aggregate classification (germline): Uncertain significance (1 of 4 stars; one submission).

Conditions:
Hypertrophic cardiomyopathy 14. Identifiers: MedGen C2750467, MONDO:0013197, OMIM 613251.

Submission:

Labcorp Genetics (formerly Invitae), Labcorp
Classification: Uncertain significance for Hypertrophic cardiomyopathy 14. Last evaluated: 2024-06-12. Review status: criteria provided, single submitter. Criteria: Invitae Variant Classification Sherloc (09022015). Collection method: clinical testing. Allele origin: germline.
Comment: This sequence change replaces threonine, which is neutral and polar, with alanine, which is neutral and non-polar, at codon 864 of the MYH6 protein (p.Thr864Ala). This variant is not present in population databases (gnomAD no frequency). This variant has not been reported in the literature in individuals affected with MYH6-related conditions. Algorithms developed to predict the effect of missense changes on protein structure and function output the following: SIFT: "Not Available"; PolyPhen-2: "Benign"; Align-GVGD: "Not Available". The alanine amino acid residue is found in multiple mammalian species, which suggests that this missense change does not adversely affect protein function. In summary, the available evidence is currently insufficient to determine the role of this variant in disease. Therefore, it has been classified as a Variant of Uncertain Significance.